The following is an entry in ClinVar:

NM_198578.4(LRRK2):c.7240G>A (p.Val2414Met)

Gene: LRRK2 (leucine rich repeat kinase 2; plus strand). Cytogenetic location: 12q12.
Variant type: single nucleotide variant.
Coding change: c.7240G>A on transcript NM_198578.4 (MANE Select); coding-DNA position 7240, G replaced by A.
Protein change: p.Val2414Met; replaces valine 2414 with methionine.
Molecular consequence: missense variant.
Genome position (GRCh38, 1-based): chr12:40,364,900, G>A. VCF-style: chr12-40364900-G-A. GRCh37 (hg19) VCF-style: chr12-40758702-G-A.
Other names: short protein forms V2414M.
Identifiers: ClinVar variation 1757872 (VCV001757872.3), dbSNP rs2500037483, ClinGen allele CA384414727.

ClinVar aggregate classification (germline): Uncertain significance (1 of 4 stars; one submission).

Conditions:
Inborn genetic diseases. Identifiers: MedGen C0950123, MeSH D030342.

gnomAD v4.1: 4 of 1,612,478 alleles (0.00025%); highest among the groups gnomAD compares: Non-Finnish European, 0.00034%; no homozygotes.

Submission:

Ambry Genetics
Classification: Uncertain significance for Inborn genetic diseases. Last evaluated: 2024-03-31. Review status: criteria provided, single submitter. Criteria: Ambry Variant Classification Scheme 2023. Collection method: clinical testing. Allele origin: germline.
Comment: The p.V2414M variant (also known as c.7240G>A), located in coding exon 49 of the LRRK2 gene, results from a G to A substitution at nucleotide position 7240. The valine at codon 2414 is replaced by methionine, an amino acid with highly similar properties. This amino acid position is conserved. In addition, the in silico prediction for this alteration is inconclusive. Since supporting evidence is limited at this time, the clinical significance of this alteration remains unclear.